The following is an entry in ClinVar:

ClinVar aggregate classification (germline): Uncertain significance (1 of 4 stars; one submission).

Allele frequency attached by ClinVar (database versions not stated): gnomAD 0.00001; TOPMed below 0.00001; gnomAD exomes 0.00001.
gnomAD v4.1: 11 of 1,613,246 alleles (0.00068%); highest among the groups gnomAD compares: East Asian, 0.0022%; no homozygotes.

Submission:

Labcorp Genetics (formerly Invitae), Labcorp
Classification: Uncertain significance. Last evaluated: 2021-09-05. Review status: criteria provided, single submitter. Criteria: Invitae Variant Classification Sherloc (09022015). Collection method: clinical testing. Allele origin: germline.
Comment: This sequence change replaces glycine with serine at codon 2996 of the HSPG2 protein (p.Gly2996Ser). The glycine residue is weakly conserved and there is a small physicochemical difference between glycine and serine. This variant is not present in population databases (ExAC no frequency). This variant has not been reported in the literature in individuals affected with HSPG2-related conditions. Algorithms developed to predict the effect of missense changes on protein structure and function output the following: SIFT: "Tolerated"; PolyPhen-2: "Benign"; Align-GVGD: "Class C0". The serine amino acid residue is found in multiple mammalian species, which suggests that this missense change does not adversely affect protein function. In summary, the available evidence is currently insufficient to determine the role of this variant in disease. Therefore, it has been classified as a Variant of Uncertain Significance.

NM_005529.7(HSPG2):c.8986G>A (p.Gly2996Ser)

Gene: HSPG2 (heparan sulfate proteoglycan 2; minus strand). Cytogenetic location: 1p36.12.
Variant type: single nucleotide variant.
Coding change: c.8986G>A on transcript NM_005529.7 (MANE Select); coding-DNA position 8986, G replaced by A.
Protein change: p.Gly2996Ser; replaces glycine 2996 with serine.
Molecular consequence: missense variant.
Genome position (GRCh38, 1-based): chr1:21,842,305, C>T on the plus strand (G>A on the coding strand, the complement: HSPG2 is on the minus strand). VCF-style: chr1-21842305-C-T. GRCh37 (hg19) VCF-style: chr1-22168798-C-T.
Other names: c.8989G>A, p.Gly2997Ser (NM_001291860.2); short protein forms G2996S, G2997S.
Identifiers: ClinVar variation 1415047 (VCV001415047.3), dbSNP rs1190694856, ClinGen allele CA338915776.